The following is an entry in ClinVar:

NM_002755.4(MAP2K1):c.542G>A (p.Arg181Lys)

Gene: MAP2K1 (mitogen-activated protein kinase kinase 1; plus strand). Cytogenetic location: 15q22.31.
Variant type: single nucleotide variant.
Coding change: c.542G>A on transcript NM_002755.4 (MANE Select); coding-DNA position 542, G replaced by A.
Protein change: p.Arg181Lys; replaces arginine 181 with lysine.
Molecular consequence: missense variant.
Genome position (GRCh38, 1-based): chr15:66,444,681, G>A. VCF-style: chr15-66444681-G-A. GRCh37 (hg19) VCF-style: chr15-66737019-G-A.
Other names: c.398G>A, p.Arg133Lys (NM_001411065.1); short protein forms R133K, R181K.
Identifiers: ClinVar variation 4710024 (VCV004710024.1).
Genomic context (GRCh38, chr15:66,444,681, plus strand): 5'-GTATTTTCTTTTCTTTTACATTCCCTTTCCTCTAGGTAATAAAAGGCCTGACATATCTGA[G>A]GGAGAAGCACAAGATCATGCACAGAGGTAAGAAGTTATTTGCTAGTTATTTTGCTTTGAA-3'
Protein context (NP_002746.1, residues 171-191): IAVIKGLTYL[Arg181Lys]EKHKIMHRDV

ClinVar aggregate classification (germline): Uncertain significance (1 of 4 stars; one submission).

Conditions:
RASopathy. Also called: Noonan spectrum disorder; rasopathies. Identifiers: Orphanet 536391, MedGen C5555857, MONDO:0021060.

Submission:

Labcorp Genetics (formerly Invitae), Labcorp
Classification: Uncertain significance for RASopathy. Last evaluated: 2025-06-29. Review status: criteria provided, single submitter. Criteria: Invitae Variant Classification Sherloc (09022015). Collection method: clinical testing. Allele origin: germline.
Comment: This sequence change replaces arginine, which is basic and polar, with lysine, which is basic and polar, at codon 181 of the MAP2K1 protein (p.Arg181Lys). This variant is not present in population databases (gnomAD no frequency). This variant has not been reported in the literature in individuals affected with MAP2K1-related conditions. Invitae Evidence Modeling of protein sequence and biophysical properties (such as structural, functional, and spatial information, amino acid conservation, physicochemical variation, residue mobility, and thermodynamic stability) has been performed for this missense variant. However, the output from this modeling did not meet the statistical confidence thresholds required to predict the impact of this variant on MAP2K1 protein function. In summary, the available evidence is currently insufficient to determine the role of this variant in disease. Therefore, it has been classified as a Variant of Uncertain Significance.